The following is an entry in ClinVar:

ClinVar aggregate classification (germline): Pathogenic (1 of 4 stars; one submission).

Submission:

Labcorp Genetics (formerly Invitae), Labcorp
Classification: Pathogenic. Last evaluated: 2021-01-28. Review status: criteria provided, single submitter. Criteria: Invitae Variant Classification Sherloc (09022015). Collection method: clinical testing. Allele origin: germline.
Comment: A gross deletion of the genomic region encompassing the full coding sequence of the CNTNAP1 gene has been identified. Loss-of-function variants in CNTNAP1 are known to be pathogenic (PMID: 24319099). The boundaries of this event are unknown as they extend beyond the assayed region for this gene and therefore may encompass additional genes. This variant has not been reported in the literature in individuals with CNTNAP1-related conditions. For these reasons, this variant has been classified as Pathogenic.

Literature cited by the submitters: PubMed 24319099.

NC_000017.10:g.(?_40834848)_(40850928_?)del

Gene: CNTNAP1 (contactin associated protein 1; plus strand). Cytogenetic location: 17q21.2.
Variant type: Deletion.
Identifiers: ClinVar variation 1444636 (VCV001444636.3).